The following is an entry in ClinVar:

NM_001429.4(EP300):c.7109A>G (p.Asn2370Ser)

Gene: EP300 (EP300 lysine acetyltransferase; plus strand). Cytogenetic location: 22q13.2.
Variant type: single nucleotide variant.
Coding change: c.7109A>G on transcript NM_001429.4 (MANE Select); coding-DNA position 7109, A replaced by G.
Protein change: p.Asn2370Ser; replaces asparagine 2370 with serine.
Molecular consequence: missense variant.
Genome position (GRCh38, 1-based): chr22:41,178,820, A>G. VCF-style: chr22-41178820-A-G. GRCh37 (hg19) VCF-style: chr22-41574824-A-G.
Other names: c.7109A>G (NM_001429.3); c.7031A>G, p.Asn2344Ser (NM_001362843.2); short protein forms N2344S, N2370S.
Identifiers: ClinVar variation 2177438 (VCV002177438.5), dbSNP rs745616467, ClinGen allele CA10254032.
Genomic context (GRCh38, chr22:41,178,820, plus strand): 5'-GACTGGTAGCTGCCCAGGCCAACCCCATGGAACAAGGGCATTTTGCCAGCCCGGACCAGA[A>G]TTCAATGCTTTCTCAGCTTGCTAGCAATCCAGGCATGGCAAACCTCCATGGTGCAAGCGC-3'
Protein context (NP_001420.2, residues 2360-2380): EQGHFASPDQ[Asn2370Ser]SMLSQLASNP

ClinVar aggregate classification (germline): Uncertain significance. Review status: criteria provided, multiple submitters, no conflicts (2 of 4 stars). 2 submissions from 2 submitters: Uncertain significance (2). Last evaluated 2025-08-20.

Conditions:
Inborn genetic diseases. Identifiers: MedGen C0950123, MeSH D030342.
Rubinstein-Taybi syndrome due to EP300 haploinsufficiency. Also called: EP300-Related Rubinstein-Taybi Syndrome; RUBINSTEIN-TAYBI SYNDROME 2. Identifiers: Orphanet 353284, Orphanet 783, MedGen C3150941, MONDO:0013364, OMIM 613684.

Allele frequency attached by ClinVar (database versions not stated): TOPMed below 0.00001; ExAC 0.00001; gnomAD exomes 0.00001.
gnomAD v4.1: 9 of 1,614,160 alleles (0.00056%); highest among the groups gnomAD compares: Non-Finnish European, 0.00068%; no homozygotes.

Submissions (2):

Ambry Genetics
Classification: Uncertain significance for Inborn genetic diseases. Last evaluated: 2025-08-20. Review status: criteria provided, single submitter. Criteria: Ambry Variant Classification Scheme 2023. Collection method: clinical testing. Allele origin: germline.

Labcorp Genetics (formerly Invitae), Labcorp
Classification: Uncertain significance for Rubinstein-Taybi syndrome due to EP300 haploinsufficiency. Last evaluated: 2025-08-11. Review status: criteria provided, single submitter. Criteria: Invitae Variant Classification Sherloc (09022015). Collection method: clinical testing. Allele origin: germline.
Comment: This sequence change replaces asparagine, which is neutral and polar, with serine, which is neutral and polar, at codon 2370 of the EP300 protein (p.Asn2370Ser). This variant is present in population databases (rs745616467, gnomAD 0.003%). This variant has not been reported in the literature in individuals affected with EP300-related conditions. ClinVar contains an entry for this variant (Variation ID: 2177438). Invitae Evidence Modeling of protein sequence and biophysical properties (such as structural, functional, and spatial information, amino acid conservation, physicochemical variation, residue mobility, and thermodynamic stability) indicates that this missense variant is not expected to disrupt EP300 protein function with a negative predictive value of 80%. In summary, the available evidence is currently insufficient to determine the role of this variant in disease. Therefore, it has been classified as a Variant of Uncertain Significance.